The following is an entry in ClinVar:

NM_006393.3(NEBL):c.72AGA[1] (p.Glu25del)

Gene: NEBL (nebulette; minus strand). Cytogenetic location: 10p12.31.
Variant type: Microsatellite.
Coding change: c.72AGA[1] on transcript NM_006393.3 (MANE Select); one copy of the 3-base unit AGA starting at c.72; the reference has two copies in a row; one copy, 3 bases deleted.
Protein change: p.Glu25del; deletes glutamic acid 25.
Molecular consequence: inframe deletion. On other transcripts: intron variant (9).
Genome position (GRCh38, 1-based): chr10:20,897,129-20,897,131, TCT deleted on the plus strand (AGA on the coding strand, the reverse complement: NEBL is on the minus strand); deleting any 3 consecutive bases within chr10:20,897,129-20,897,136 gives the same sequence; the position shown is the placement nearest the transcript's 3' end. VCF-style (leftmost placement, unchanged base first): chr10-20897128-GTCT-G. GRCh37 (hg19) VCF-style: chr10-21186057-GTCT-G.
Other names: c.249+64541_249+64543del (NM_001377326.1, NM_001377327.1, NM_001377328.1); c.357+64541_357+64543del (NM_213569.2, NM_001173484.2, NM_001377322.1); c.300+64541_300+64543del (NM_001377324.1); c.291+64541_291+64543del (NM_001377325.1); c.309+64541_309+64543del (NM_001377323.1); c.75_77delAGA (NM_006393.2); short protein forms E25del.
Identifiers: ClinVar variation 201906 (VCV000201906.10), dbSNP rs794729080, ClinGen allele CA335361.

ClinVar aggregate classification (germline): Uncertain significance. Review status: criteria provided, multiple submitters, no conflicts (2 of 4 stars). 3 submissions from 3 submitters: Uncertain significance (3). Last evaluated 2025-12-30.

Conditions:
Cardiomyopathy (CMYO). Also called: Cardiomyopathies. Identifiers: Orphanet 167848, MedGen C0878544, MONDO:0004994, HP:0001638. Inheritance: Various modes of inheritance.
Primary dilated cardiomyopathy (DCM). Also called: Dilated Cardiomyopathy. Identifiers: Orphanet 217604, MedGen C0007193, MeSH D002311, MONDO:0005021, HP:0001644. Inheritance: Various modes of inheritance.

Submissions (3):

Labcorp Genetics (formerly Invitae), Labcorp
Classification: Uncertain significance for Primary dilated cardiomyopathy. Last evaluated: 2025-12-30. Review status: criteria provided, single submitter. Criteria: Invitae Variant Classification Sherloc (09022015). Collection method: clinical testing. Allele origin: germline.
Comment: This variant, c.75_77del, results in the deletion of 1 amino acid(s) of the NEBL protein (p.Glu25del), but otherwise preserves the integrity of the reading frame. This variant is present in population databases (rs794729080, gnomAD 0.002%). This variant has not been reported in the literature in individuals affected with NEBL-related conditions. Experimental studies and prediction algorithms are not available or were not evaluated, and the functional significance of this variant is currently unknown. In summary, the available evidence is currently insufficient to determine the role of this variant in disease. Therefore, it has been classified as a Variant of Uncertain Significance.

GeneDx
Classification: Uncertain significance for Cardiomyopathy. Last evaluated: 2014-07-23. Review status: criteria provided, single submitter. Criteria: GeneDx Variant Classification (06012015). Collection method: clinical testing. Allele origin: germline. Affected: yes.
Comment: c.75_77delAGA: p.Glu25del (E25del) in exon 1 of the NEBL gene (NM_006393.2). The normal sequence with the bases that are deleted in braces is: AAGA{AGA}CCAG. Although rare, mutations in the NEBL gene have been reported in association with DCM and endocardialfibroelastosis (Purevjav E at al., 2010). The c.75_77delAGA variant in the NEBL gene has not been reported previously to our knowledge. This variant causes an in-frame deletion that is not expected to result in either an abnormal, truncated protein product or loss of protein from this allele through nonsense-mediated mRNA decay. Furthermore, in the NEBL gene, no missense mutations in nearby residues or in-frame deletions at all, have been reported in association with cardiomyopathy. However, the c.75_77delAGA variant was not observed in approximately 6,500 individuals of European and African American ancestry in the NHLBI Exome Sequencing Project, indicating it is not a common benign variant in these populations. Therefore, based on the currently available information, it is unclear whether this variant is a pathogenic mutation or a rare benign variant. The variant is found in CARDIOMYOPATHY panel(s).

Breakthrough Genomics
Classification: Uncertain significance. Review status: criteria provided, single submitter. Criteria: ACMG Guidelines, 2015. Collection method: not provided. Allele origin: germline. Inheritance: Unknown mechanism. Affected: yes.